The following is an entry in ClinVar:

ClinVar aggregate classification (germline): Uncertain significance (1 of 4 stars; one submission).

Conditions:
Inborn genetic diseases. Identifiers: MedGen C0950123, MeSH D030342.

Submission:

Ambry Genetics
Classification: Uncertain significance for Inborn genetic diseases. Last evaluated: 2016-09-07. Review status: criteria provided, single submitter. Criteria: Ambry Variant Classification Scheme 2023. Collection method: clinical testing. Allele origin: germline.
Comment: The p.M617T variant (also known as c.1850T>C), located in coding exon 11 of the GRIA3 gene, results from a T to C substitution at nucleotide position 1850. The methionine at codon 617 is replaced by threonine, an amino acid with similar properties. This variant was not reported in population based cohorts in the following databases: Database of Single Nucleotide Polymorphisms (dbSNP), NHLBI Exome Sequencing Project (ESP), and 1000 Genomes Project. In the ESP, this variant was not observed in 6502 samples with coverage at this position. This amino acid position is highly conserved in available vertebrate species. In addition, this alteration is predicted to be deleterious by in silico analysis. Since supporting evidence is limited at this time, the clinical significance of this alteration remains unclear.

NM_007325.5(GRIA3):c.1850T>C (p.Met617Thr)

Gene: GRIA3 (glutamate ionotropic receptor AMPA type subunit 3; plus strand). Cytogenetic location: Xq25.
Variant type: single nucleotide variant.
Coding change: c.1850T>C on transcript NM_007325.5 (MANE Select); coding-DNA position 1850, T replaced by C.
Protein change: p.Met617Thr; replaces methionine 617 with threonine.
Molecular consequence: missense variant.
Genome position (GRCh38, 1-based): chrX:123,417,751, T>C. VCF-style: chrX-123417751-T-C. GRCh37 (hg19) VCF-style: chrX-122551602-T-C.
Other names: c.1850T>C, p.Met617Thr (NM_000828.5); short protein forms M617T.
Identifiers: ClinVar variation 589379 (VCV000589379.5), dbSNP rs1569433312, ClinGen allele CA414257906.
Genomic context (GRCh38, chrX:123,417,751, plus strand): 5'-CTGATCCTCCAAATGAATTTGGAATATTTAACAGTCTTTGGTTTTCCTTGGGTGCCTTTA[T>C]GCAGCAAGGATGTGATATTTCTCCAAGGTTTGTTTTTGTGGCATACTCAATGCCTCATTG-3'
Protein context (NP_015564.5, residues 607-627): NSLWFSLGAF[Met617Thr]QQGCDISPRS